The following is an entry in ClinVar:

NM_001042492.3(NF1):c.2623G>T (p.Gly875Cys)

Gene: NF1 (neurofibromin 1; plus strand). Cytogenetic location: 17q11.2.
Variant type: single nucleotide variant.
Coding change: c.2623G>T on transcript NM_001042492.3 (MANE Select); coding-DNA position 2623, G replaced by T.
Protein change: p.Gly875Cys; replaces glycine 875 with cysteine.
Molecular consequence: missense variant.
Genome position (GRCh38, 1-based): chr17:31,229,238, G>T. VCF-style: chr17-31229238-G-T. GRCh37 (hg19) VCF-style: chr17-29556256-G-T.
Other names: c.2623G>T, p.Gly875Cys (NM_000267.4); short protein forms G875C.
Identifiers: ClinVar variation 1431524 (VCV001431524.11), dbSNP rs754734571, ClinGen allele CA398984520.

ClinVar aggregate classification (germline): Conflicting classifications of pathogenicity. Review status: criteria provided, conflicting classifications (1 of 4 stars). 3 submissions from 3 submitters: Pathogenic (1); Uncertain significance (2). Last evaluated 2025-10-29.

Conditions:
Cardiovascular phenotype. Identifiers: MedGen CN230736.
Hereditary cancer-predisposing syndrome. Also called: Neoplastic Syndromes, Hereditary; Hereditary Cancer Syndrome; Tumor predisposition; Hereditary neoplastic syndrome. Identifiers: Orphanet 140162, MedGen C0027672, MeSH D009386, MONDO:0015356.
Neurofibromatosis, type 1 (NF1). Also called: Peripheral type neurofibromatosis; VON RECKLINGHAUSEN DISEASE; NEUROFIBROMATOSIS, TYPE I, SOMATIC; Neurofibromatosis, type I. Identifiers: Orphanet 636, MedGen C0027831, MONDO:0018975, OMIM 162200. Disease mechanism: loss of function.

Submissions (3):

Labcorp Genetics (formerly Invitae), Labcorp
Classification: Pathogenic for Neurofibromatosis, type 1. Last evaluated: 2025-10-29. Review status: criteria provided, single submitter. Criteria: Invitae Variant Classification Sherloc (09022015). Collection method: clinical testing. Allele origin: germline.
Comment: This sequence change replaces glycine, which is neutral and non-polar, with cysteine, which is neutral and slightly polar, at codon 875 of the NF1 protein (p.Gly875Cys). This variant is not present in population databases (gnomAD no frequency). This missense change has been observed in individual(s) with NF1-related conditions (internal data). It has also been observed to segregate with disease in related individuals. Invitae Evidence Modeling of clinical and family history, age, sex, and reported ancestry of multiple individuals with this NF1 variant has been performed. This variant is expected to be pathogenic with a positive predictive value of at least 99%. This is a validated machine learning model that incorporates the clinical features of 1,785,918 individuals referred to our laboratory for NF1 testing. ClinVar contains an entry for this variant (Variation ID: 1431524). Invitae Evidence Modeling of protein sequence and biophysical properties (such as structural, functional, and spatial information, amino acid conservation, physicochemical variation, residue mobility, and thermodynamic stability) has been performed for this missense variant. However, the output from this modeling did not meet the statistical confidence thresholds required to predict the impact of this variant on NF1 protein function. Algorithms developed to predict the effect of sequence changes on RNA splicing suggest that this variant may create or strengthen a splice site. For these reasons, this variant has been classified as Pathogenic.

NHS Central & South Genomic Laboratory Hub
Classification: Uncertain significance for Neurofibromatosis type 1. Last evaluated: 2025-09-25. Review status: criteria provided, single submitter. Criteria: ACMG Guidelines, 2015. Collection method: clinical testing. Allele origin: germline. Affected: yes.

Ambry Genetics
Classification: Uncertain significance for Cardiovascular phenotype; Hereditary cancer-predisposing syndrome. Last evaluated: 2017-05-24. Review status: criteria provided, single submitter. Criteria: Ambry Variant Classification Scheme 2023. Collection method: clinical testing. Allele origin: germline.
Comment: The p.G875C variant (also known as c.2623G>T), located in coding exon 21 of the NF1 gene, results from a G to T substitution at nucleotide position 2623. The glycine at codon 875 is replaced by cysteine, an amino acid with highly dissimilar properties. This amino acid position is not well conserved in available vertebrate species. In addition, the in silico prediction for this alteration is inconclusive. Since supporting evidence is limited at this time, the clinical significance of this alteration remains unclear.